The following continues an entry in ClinVar:

NM_000218.3(KCNQ1):c.1189C>T (p.Arg397Trp)

Gene: KCNQ1. ClinVar aggregate classification (germline): Conflicting classifications of pathogenicity. Likely pathogenic (4); Uncertain significance (12); Likely benign (1).

Submissions 7 to 15 of 20:

Color Diagnostics, LLC DBA Color Health
Classification: Uncertain significance for Cardiac arrhythmia. Last evaluated: 2025-03-17. Review status: criteria provided, single submitter. Criteria: ACMG Guidelines, 2015. Collection method: clinical testing. Allele origin: germline.
Comment: This missense variant replaces arginine with tryptophan at codon 397 of the KCNQ1 protein. Computational prediction suggests that this variant may have deleterious impact on protein structure and function. Functional studies have shown that this variant results in reduced potassium ionic current (PMID: 23571586) and reduced ATP sensitivity (PMID: 24190995). This variant has been reported in an individual with catecholaminergic polymorphic ventricular tachycardia (PMID: 32553227), in individuals with sudden death (PMID: 23571586, 24440382), and in an individual with stillbirth (PMID: 30615648). This variant has also been identified in individuals with normal QTc intervals (PMID: 26159999) and showed no significant association with prolonged QTc interval in the Icelandic population (PMID: 37449562). This variant has been reported in a homozygous individual with permanent neonatal diabetes melitus without cardiovascular symptoms (PMID: 39055936). This variant occurs at an elevated frequency in the general population and has been identified in 53/282726 chromosomes by the Genome Aggregation Database (gnomAD). The available evidence is insufficient to determine the role of this variant in disease conclusively. Therefore, this variant is classified as a Variant of Uncertain Significance.

Labcorp Genetics (formerly Invitae), Labcorp
Classification: Uncertain significance for Long QT syndrome. Last evaluated: 2025-01-23. Review status: criteria provided, single submitter. Criteria: Invitae Variant Classification Sherloc (09022015). Collection method: clinical testing. Allele origin: germline.
Comment: This sequence change replaces arginine, which is basic and polar, with tryptophan, which is neutral and slightly polar, at codon 397 of the KCNQ1 protein (p.Arg397Trp). This variant is present in population databases (rs199472776, gnomAD 0.08%). This missense change has been observed in individual(s) with clinical features of KCNQ1-related conditions and/or long QT syndrome (PMID: 17470695, 19841300, 24440382, 32553227, 34505893, 37937776). ClinVar contains an entry for this variant (Variation ID: 52970). Invitae Evidence Modeling of protein sequence and biophysical properties (such as structural, functional, and spatial information, amino acid conservation, physicochemical variation, residue mobility, and thermodynamic stability) has been performed for this missense variant. However, the output from this modeling did not meet the statistical confidence thresholds required to predict the impact of this variant on KCNQ1 protein function. Experimental studies have shown that this missense change affects KCNQ1 function (PMID: 23571586, 24190995). In summary, the available evidence is currently insufficient to determine the role of this variant in disease. Therefore, it has been classified as a Variant of Uncertain Significance.

All of Us Research Program, National Institutes of Health
Classification: Uncertain significance for Long QT syndrome. Last evaluated: 2024-09-23. Review status: criteria provided, single submitter. Criteria: ACMG Guidelines, 2015. Collection method: clinical testing. Allele origin: germline. Inheritance: Autosomal dominant inheritance. Observed: 64 variant alleles, 64 heterozygotes.
Comment: This missense variant replaces arginine with tryptophan at codon 397 of the KCNQ1 protein. Computational prediction suggests that this variant may have deleterious impact on protein structure and function (internally defined REVEL score threshold >= 0.7, PMID: 27666373). Functional studies have shown that this variant may result in reduced potassium ionic current (PMID: 23571586) and reduced ATP sensitivity (PMID: 24190995). This variant has been reported in individuals with a family history of long QT syndrome (PMID: 17470695), in one individual with catecholaminergic polymorphic ventricular tachycardia (PMID: 32553227), in individuals with sudden death (PMID: 23571586, 24440382), and in a stillbirth case (PMID: 30615648). This variant has also been identified in individuals with normal QTc intervals (PMID: 26159999) and showed no significant association with prolonged QTc interval in the Icelandic population (PMID: 37449562). This variant occurs at an appreciable frequency in the general population and has been identified in 53/282726 chromosomes by the Genome Aggregation Database (gnomAD). The available evidence is insufficient to determine the role of this variant in disease conclusively. Therefore, this variant is classified as a Variant of Uncertain Significance.

This study involves interpretation of variants in research participants for the purpose of population health screening. Participant phenotype was not available at the time of variant classification. Additional details can be found in publication PMID: 35346344, PMCID: PMC8962531

Blueprint Genetics
Classification: Likely benign. Last evaluated: 2024-09-20. Review status: criteria provided, single submitter. Criteria: ACMG Guidelines, 2015. Collection method: clinical testing. Allele origin: germline.

Dept of Medical Biology, Uskudar University
Classification: Likely pathogenic for Long QT syndrome. Last evaluated: 2024-01-08. Review status: criteria provided, single submitter. Criteria: Dept of Medical Biology Variant Classification. Collection method: research. Allele origin: paternal. Affected: yes. Observed: 1 variant allele.
Comment: Criteria: PS4_Strong, PS3_Supporting, PP3

Molecular Genetics, Royal Melbourne Hospital
Classification: Uncertain significance for Long QT syndrome 1. Last evaluated: 2023-09-04. Review status: criteria provided, single submitter. Criteria: ACMG Guidelines, 2015. Collection method: clinical testing. Allele origin: germline. Inheritance: Autosomal dominant inheritance.
Comment: This sequence change in KCNQ1 is predicted to replace arginine with tryptophan at codon 397, p.(Arg397Trp). The arginine residue is moderately conserved (100 vertebrates, UCSC), and is located in the cytoplasmic region. There is a large physicochemical difference between arginine and tryptophan. The highest population minor allele frequency in the population database gnomAD v2.1 is 0.03% (39/129,098 alleles) in the European non-Finnish population. This variant has been reported in multiple probands with KCNQ1-related cardiac arrhythmias (PMID: 19841300, 31737537). An in vitro functional assay using HEK293T cells showed a decrease in current density indicating that this variant impacts protein function (PMID: 23571586). Another functional study using a patch clamp assay in Xenopus oocytes showed a partial loss of conduction in the presence of this mutant and a complete loss of conduction in combination with another mutant suggestive that this variant impacts protein function (PMID: 24190995). Computational evidence predicts a deleterious effect for the missense substitution (REVEL = 0.76). Based on the classification scheme RMH Modified ACMG/AMP Guidelines v1.6.1, this variant is classified as a VARIANT OF UNCERTAIN SIGNIFICANCE. Following criteria are met: PP3, PS3_Supporting

New York Genome Center
Classification: Uncertain significance for Atrial fibrillation, familial, 3; Jervell and Lange-Nielsen syndrome 1; Long QT syndrome 1; Short QT syndrome type 2. Last evaluated: 2020-06-19. Review status: criteria provided, single submitter. Criteria: NYGC Assertion Criteria 2020. Collection method: clinical testing. Allele origin: germline. Observed: 1 heterozygote.
Comment: The c.1189C>T (p.Arg397Trp) variant identified in the KCNQ1 gene substitutes a well conserved Arginine for Tryptophan at amino acid 397/677 (exon 9/16), and is also referred to asp.Arg270Trp annotated from transcript NM_181798.1. This variant is reported in gnomAD with an allele frequency of 1.26e-4 (v3.0; 18 heterozygotes, 0 homozygotes)and 1.88e-4 (v2.1.1; 53 heterozygotes, 0 homozygotes). In silico algorithms predict this variant to be Deleterious (SIFT; score: 0.001), Damaging (Provean; score: -3.32),and Pathogenic (REVEL; score: 0.7599) to the function of the canonical transcript. The p.Arg397 residue is in the intracellular C-terminal domain of KCNQ1 (UniProtKB:P51787). This variant has been reported many times in ClinVar with varying interpretations including Likely Pathogenic, Benign, and a Variant of Uncertain Significance (VarID:52970). The c.1189C>T (p.Arg397Trp) variant identified here has been reported in several affected individuals in the literature [PMID:17470695;PMID:19841300;PMID:22199116;PMID:22456477;PMID:24440382], however many of these studies were panel based and examined only a small number of potentially causative genes. Functional studies suggest the p.Arg397Trp variant leads to reduced current densities [PMID:23571586;PMID:24190995], and may be involved in coordination of ATP binding [PMID:24190995]. While it has been observed in several affected individuals and in vitro functional studies suggest an effect on current density, the presence of this variant at an allele frequency higher than expected in control databases leave some uncertainty regarding its pathogenicity. Given that, the c.1189C>T (p.Arg397Trp) variant identified in the KCNQ1 gene is reported as a Variant of Uncertain Significance.

Laboratory for Molecular Medicine, Mass General Brigham Personalized Medicine
Classification: Uncertain significance. Last evaluated: 2019-01-29. Review status: criteria provided, single submitter. Criteria: LMM Criteria. Collection method: clinical testing. Allele origin: germline. Observed: 1 variant allele.
Comment: The p.Arg397Trp variant in KCNQ1 has been reported in 9 individuals with LQTS (Moss 2007, Kapplinger 2009, Giudicessi 2012, Amin 2012). However, it has also been detected in asymptomatic individuals (Ghouse 2015, Taylor 2015) and in 0.03% (39/129098) of European chromosomes and 0.09% (9/10364) of Ashkenazi Jewish chromosomes by gnomAD. This variant has been reported in ClinVar (Variation ID 52970). In vitro functional studies provide some evidence that the p.Arg397Trp variant may impact protein function (Li 2013); however, these types of assays may not accurately represent biological function. Computational prediction tools and conservation analysis support an impact to the protein, though this information is not predictive enough to determine pathogenicity. In summary, due to the presence of conflicting evidence, the clinical significance of the p.Arg397Trp variant is uncertain. ACMG/AMP Criteria applied: BS1_Supporting, PP3.

Equipe Genetique des Anomalies du Developpement, Université de Bourgogne
Classification: Likely pathogenic for Long QT syndrome 1. Last evaluated: 2018-11-21. Review status: criteria provided, single submitter. Criteria: ACMG Guidelines, 2015. Collection method: clinical testing. Allele origin: unknown.